The following is an entry in ClinVar:

NM_205861.3(DHDDS):c.512G>A (p.Trp171Ter)

Gene: DHDDS (dehydrodolichyl diphosphate synthase subunit; plus strand). Cytogenetic location: 1p36.11.
Variant type: single nucleotide variant.
Coding change: c.512G>A on transcript NM_205861.3 (MANE Select); coding-DNA position 512, G replaced by A.
Protein change: p.Trp171Ter; replaces tryptophan 171 with a stop codon.
Molecular consequence: nonsense. On other transcripts: intron variant (1).
Genome position (GRCh38, 1-based): chr1:26,447,630, G>A. VCF-style: chr1-26447630-G-A. GRCh37 (hg19) VCF-style: chr1-26774121-G-A.
Other names: c.395G>A, p.Trp132Ter (NM_001243565.2); c.233G>A, p.Trp78Ter (NM_001319959.2); c.512G>A, p.Trp171Ter (NM_024887.4); c.440+1198G>A (NM_001243564.2); short protein forms W132*, W171*, W78*.
Identifiers: ClinVar variation 4816173 (VCV004816173.1).

ClinVar aggregate classification (germline): Likely pathogenic (1 of 4 stars; one submission).

Conditions:
Retinitis pigmentosa 59 (RP59). Identifiers: Orphanet 791, MedGen C3151227, MONDO:0013468, OMIM 613861.

Submission:

Natera, Inc.
Classification: Likely pathogenic for Retinitis pigmentosa type 59. Last evaluated: 2025-08-19. Review status: criteria provided, single submitter. Criteria: Natera Variant Classification Schema (03/2026). Collection method: clinical testing. Allele origin: germline.
Comment: The c.512G>A variant in DHDDS is a nonsense variant predicted to introduce a stop codon at amino acid 171. This variant is expected to result in nonsense mediated decay, truncation, or a dysfunctional protein product. This variant is rare in the general population with a frequency below the threshold expected for the associated phenotype(s). Given the available evidence, this variant is classified as Likely Pathogenic.